The following is an entry in ClinVar:

NM_002691.4(POLD1):c.1272G>A (p.Val424=)

Gene: POLD1 (DNA polymerase delta 1, catalytic subunit; plus strand). Cytogenetic location: 19q13.33.
Variant type: single nucleotide variant.
Coding change: c.1272G>A on transcript NM_002691.4 (MANE Select); coding-DNA position 1272, G replaced by A.
Protein change: p.Val424=; no amino-acid change (valine 424 retained).
Molecular consequence: synonymous variant. On other transcripts: non-coding transcript variant (1).
Genome position (GRCh38, 1-based): chr19:50,406,211, G>A. VCF-style: chr19-50406211-G-A. GRCh37 (hg19) VCF-style: chr19-50909468-G-A.
Other names: c.1272G>A, p.Val424= (NM_001256849.1, NM_001308632.1).
Identifiers: ClinVar variation 3904168 (VCV003904168.1).

ClinVar aggregate classification (germline): Benign (1 of 4 stars; one submission).

Conditions:
POLD1-related polyposis and colorectal cancer syndrome (CRCS10). Also called: Colorectal cancer 10; COLORECTAL CANCER, SUSCEPTIBILITY TO, ON CHROMOSOME 19q; Colorectal cancer, susceptibility to, 10. Identifiers: Orphanet 220460, MedGen C2675481, MONDO:0012953, OMIM 612591.

gnomAD v4.1: 1 of 1,613,932 alleles (0.000062%); no homozygotes.

Submission:

Myriad Genetics, Inc.
Classification: Benign for POLD1-related polyposis and colorectal cancer syndrome. Last evaluated: 2025-02-06. Review status: criteria provided, single submitter. Criteria: Myriad Autosomal Dominant, Autosomal Recessive and X-Linked Classification Criteria (2023). Collection method: clinical testing. Allele origin: unknown.
Comment: This variant is considered benign. This variant is a silent/synonymous amino acid change and it is not expected to impact splicing.